The following is an entry in ClinVar:

ClinVar aggregate classification (germline): Uncertain significance (1 of 4 stars; one submission).

Conditions:
Hereditary cancer-predisposing syndrome. Also called: Neoplastic Syndromes, Hereditary; Tumor predisposition; Hereditary Cancer Syndrome; Hereditary neoplastic syndrome. Identifiers: Orphanet 140162, MedGen C0027672, MeSH D009386, MONDO:0015356.

Submission:

Ambry Genetics
Classification: Uncertain significance for Hereditary cancer-predisposing syndrome. Last evaluated: 2022-07-01. Review status: criteria provided, single submitter. Criteria: Ambry Variant Classification Scheme 2023. Collection method: clinical testing. Allele origin: germline.
Comment: The p.R540S variant (also known as c.1618C>A), located in coding exon 11 of the CTNNA1 gene, results from a C to A substitution at nucleotide position 1618. The arginine at codon 540 is replaced by serine, an amino acid with dissimilar properties. This amino acid position is highly conserved in available vertebrate species. In addition, the in silico prediction for this alteration is inconclusive. The evidence for this gene-disease relationship is limited; therefore, the clinical significance of this alteration is unclear.

NM_001903.5(CTNNA1):c.1618C>A (p.Arg540Ser)

Gene: CTNNA1 (catenin alpha 1; plus strand). Cytogenetic location: 5q31.2.
Variant type: single nucleotide variant.
Coding change: c.1618C>A on transcript NM_001903.5 (MANE Select); coding-DNA position 1618, C replaced by A.
Protein change: p.Arg540Ser; replaces arginine 540 with serine.
Molecular consequence: missense variant.
Genome position (GRCh38, 1-based): chr5:138,924,581, C>A. VCF-style: chr5-138924581-C-A. GRCh37 (hg19) VCF-style: chr5-138260270-C-A.
Other names: c.1618C>A, p.Arg540Ser (NM_001290307.3, NM_001323982.2, NM_001323983.1 and 2 more transcripts); c.1309C>A, p.Arg437Ser (NM_001290309.3); c.1249C>A, p.Arg417Ser (NM_001290310.3); c.508C>A, p.Arg170Ser (NM_001290312.1, NM_001323987.1, NM_001323988.1 and 17 more transcripts); c.1525C>A, p.Arg509Ser (NM_001323986.2); c.169C>A, p.Arg57Ser (NM_001324006.1, NM_001324007.1, NM_001324008.1 and 2 more transcripts); c.415C>A, p.Arg139Ser (NM_001324011.1); c.265C>A, p.Arg89Ser (NM_001324012.1, NM_001324013.1); short protein forms R139S, R509S, R540S, R89S, R437S, R170S, R417S, R57S.
Identifiers: ClinVar variation 1776531 (VCV001776531.2), dbSNP rs1203968888, ClinGen allele CA361131835.